The following is an entry in ClinVar:

NM_058216.3(RAD51C):c.451G>A (p.Val151Met)

Gene: RAD51C (RAD51 paralog C; plus strand). Cytogenetic location: 17q22.
Variant type: single nucleotide variant.
Coding change: c.451G>A on transcript NM_058216.3 (MANE Select); coding-DNA position 451, G replaced by A.
Protein change: p.Val151Met; replaces valine 151 with methionine.
Molecular consequence: missense variant.
Genome position (GRCh38, 1-based): chr17:58,696,739, G>A. VCF-style: chr17-58696739-G-A. GRCh37 (hg19) VCF-style: chr17-56774100-G-A.
Other names: c.451G>A (LRG_314t1); short protein forms V151M.
Identifiers: ClinVar variation 234035 (VCV000234035.30), dbSNP rs753912045, ClinGen allele CA8677228.

ClinVar aggregate classification (germline): Conflicting classifications of pathogenicity. Review status: criteria provided, conflicting classifications (1 of 4 stars). 9 submissions from 9 submitters: Uncertain significance (8); Benign (1). Last evaluated 2026-02-18.

Conditions:
Fanconi anemia complementation group O. Also called: RAD51C-Related Fanconi Anemia. Identifiers: Orphanet 84, MedGen C3150653, MONDO:0013248, OMIM 613390.
Breast-ovarian cancer, familial, susceptibility to, 3. Also called: RAD51C-Related Breast/Ovarian Cancer. Identifiers: Orphanet 145, MedGen C3150659, MONDO:0013253, OMIM 613399.
Hereditary cancer-predisposing syndrome. Also called: Tumor predisposition; Hereditary neoplastic syndrome; Neoplastic Syndromes, Hereditary; Hereditary Cancer Syndrome. Identifiers: Orphanet 140162, MedGen C0027672, MeSH D009386, MONDO:0015356.

Allele frequency attached by ClinVar (database versions not stated): gnomAD exomes 0.00001 and 0.00002; ExAC 0.00002.

Submissions (9):

Praxis Für Humangenetik, Biosciencia MVZ Labor Saar
Classification: Uncertain significance for Hereditary cancer-predisposing syndrome. Last evaluated: 2026-02-18. Review status: criteria provided, single submitter. Criteria: ACMG Guidelines, 2015. Collection method: clinical testing. Allele origin: germline.
Comment: PM2, BP4

Ambry Genetics
Classification: Benign for Hereditary cancer-predisposing syndrome. Last evaluated: 2025-10-28. Review status: criteria provided, single submitter. Criteria: Ambry Variant Classification Scheme 2023. Collection method: clinical testing. Allele origin: germline.

Labcorp Genetics (formerly Invitae), Labcorp
Classification: Uncertain significance for Fanconi anemia complementation group O. Last evaluated: 2025-01-26. Review status: criteria provided, single submitter. Criteria: Invitae Variant Classification Sherloc (09022015). Collection method: clinical testing. Allele origin: germline.
Comment: This sequence change replaces valine, which is neutral and non-polar, with methionine, which is neutral and non-polar, at codon 151 of the RAD51C protein (p.Val151Met). This variant is present in population databases (rs753912045, gnomAD 0.02%). This variant has not been reported in the literature in individuals affected with RAD51C-related conditions. ClinVar contains an entry for this variant (Variation ID: 234035). Invitae Evidence Modeling of protein sequence and biophysical properties (such as structural, functional, and spatial information, amino acid conservation, physicochemical variation, residue mobility, and thermodynamic stability) indicates that this missense variant is not expected to disrupt RAD51C protein function with a negative predictive value of 80%. In summary, the available evidence is currently insufficient to determine the role of this variant in disease. Therefore, it has been classified as a Variant of Uncertain Significance.

Color Diagnostics, LLC DBA Color Health
Classification: Uncertain significance for Hereditary cancer-predisposing syndrome. Last evaluated: 2024-03-07. Review status: criteria provided, single submitter. Criteria: ACMG Guidelines, 2015. Collection method: clinical testing. Allele origin: germline.
Comment: This missense variant replaces valine with methionine at codon 151 of the RAD51C protein. Computational prediction suggests that this variant may not impact protein structure and function (internally defined REVEL score threshold <= 0.5, PMID: 27666373). Splice site prediction tools suggest that this variant may not impact RNA splicing. To our knowledge, functional studies have not been performed for this variant. This variant has not been reported in individuals affected with hereditary cancer in the literature. This variant has been identified in 5/251484 chromosomes in the general population by the Genome Aggregation Database (gnomAD). The available evidence is insufficient to determine the role of this variant in disease conclusively. Therefore, this variant is classified as a Variant of Uncertain Significance.

Baylor Genetics
Classification: Uncertain significance for Breast-ovarian cancer, familial, susceptibility to, 3. Last evaluated: 2024-02-01. Review status: criteria provided, single submitter. Criteria: ACMG Guidelines, 2015. Collection method: clinical testing. Allele origin: unknown.

Fulgent Genetics
Classification: Uncertain significance for Fanconi anemia complementation group O; Breast-ovarian cancer, familial, susceptibility to, 3. Last evaluated: 2022-04-26. Review status: criteria provided, single submitter. Criteria: ACMG Guidelines, 2015. Collection method: clinical testing. Allele origin: unknown.

GeneDx
Classification: Uncertain significance. Last evaluated: 2021-01-26. Review status: criteria provided, single submitter. Criteria: GeneDx Variant Classification Process June 2021. Collection method: clinical testing. Allele origin: germline. Affected: yes.
Comment: Not observed at a significant frequency in large population cohorts (Lek et al., 2016); In silico analysis supports that this missense variant does not alter protein structure/function; Has not been previously published as pathogenic or benign to our knowledge

Genetic Services Laboratory, University of Chicago
Classification: Uncertain significance. Last evaluated: 2015-11-10. Review status: criteria provided, single submitter. Criteria: ACMG Guidelines, 2015. Collection method: clinical testing. Allele origin: germline. Affected: no.

Neuberg Centre For Genomic Medicine, NCGM
Classification: Uncertain significance for Breast-ovarian cancer, familial, susceptibility to, 3. Review status: criteria provided, single submitter. Criteria: ACMG Guidelines, 2015. Collection method: clinical testing. Allele origin: germline. Inheritance: Autosomal dominant inheritance. Affected: yes.
Comment: The missense c.451G>A (p.Val151Met) variant in RAD51C gene has been submitted to ClinVar as a Variant of Uncertain Significance, but no details are available for independent assessment. It has not been reported in affected individuals. The p.Val151Met variant is observed in 0.001% alleles in gnomAD Exomes and is novel (not in any individuals) in 1000 Genomes. The amino acid Val at position 151 is changed to a Met changing protein sequence and it might alter its composition and physico-chemical properties. For these reasons, this variant has been classified as Uncertain significance.